The following is an entry in ClinVar:

NM_052844.4(DYNC2I2):c.782C>T (p.Thr261Met)

Genes: DYNC2I2 (dynein 2 intermediate chain 2; minus strand), LOC126860772 (CDK7 strongly-dependent group 2 enhancer GRCh37_chr9:131396972-131398171; plus strand). Cytogenetic location: 9q34.11.
Variant type: single nucleotide variant.
Coding change: c.782C>T on transcript NM_052844.4 (MANE Select); coding-DNA position 782, C replaced by T.
Protein change: p.Thr261Met; replaces threonine 261 with methionine.
Molecular consequence: missense variant.
Genome position (GRCh38, 1-based): chr9:128,635,689, G>A on the plus strand (C>T on the coding strand, the complement: DYNC2I2 is on the minus strand). VCF-style: chr9-128635689-G-A. GRCh37 (hg19) VCF-style: chr9-131397968-G-A.
Other names: short protein forms T261M.
Identifiers: ClinVar variation 3011209 (VCV003011209.3), dbSNP rs746815029, ClinGen allele CA5266478.
Genomic context (GRCh38, chr9:128,635,689, plus strand): 5'-CCACCCCGCCCGGCAGCCCCTGCCCTGACCTGGGACACAGGGTCTGTGTGGGTGTCATCC[G>A]TCAGGCCTGTGCGCCACAGCAGCGGGTCCTCAAGACGGCTCAGGTCCCACACCAACACCT-3'
Protein context (NP_443076.2, residues 251-271): EDPLLWRTGL[Thr261Met]DDTHTDPVSQ

ClinVar aggregate classification (germline): Uncertain significance (1 of 4 stars; one submission).

Conditions:
Short-rib thoracic dysplasia 11 with or without polydactyly (SRTD11). Also called: SHORT-RIB THORACIC DYSPLASIA 11 WITHOUT POLYDACTYLY. Identifiers: Orphanet 474, Orphanet 93271, MedGen C3810200, MONDO:0014287, OMIM 615633.

Allele frequency attached by ClinVar (database versions not stated): ExAC 0.00001; TOPMed 0.00001.
gnomAD v4.1: 3 of 1,611,622 alleles (0.00019%); highest among the groups gnomAD compares: South Asian, 0.0011%; no homozygotes.

Submission:

Labcorp Genetics (formerly Invitae), Labcorp
Classification: Uncertain significance for Short-rib thoracic dysplasia 11 with or without polydactyly. Last evaluated: 2024-10-29. Review status: criteria provided, single submitter. Criteria: Invitae Variant Classification Sherloc (09022015). Collection method: clinical testing. Allele origin: germline.
Comment: This sequence change replaces threonine, which is neutral and polar, with methionine, which is neutral and non-polar, at codon 261 of the WDR34 protein (p.Thr261Met). The frequency data for this variant in the population databases is considered unreliable, as metrics indicate poor data quality at this position in the gnomAD database. This variant has not been reported in the literature in individuals affected with WDR34-related conditions. ClinVar contains an entry for this variant (Variation ID: 3011209). An algorithm developed to predict the effect of missense changes on protein structure and function (PolyPhen-2) suggests that this variant is likely to be disruptive. In summary, the available evidence is currently insufficient to determine the role of this variant in disease. Therefore, it has been classified as a Variant of Uncertain Significance.